The following is an entry in ClinVar:

ClinVar aggregate classification (germline): Uncertain significance (1 of 4 stars; one submission).

gnomAD v4.1: 3 of 1,513,854 alleles (0.0002%); highest among the groups gnomAD compares: Admixed American, 0.0025%; no homozygotes.

Submission:

GeneDx
Classification: Uncertain significance. Last evaluated: 2024-12-30. Review status: criteria provided, single submitter. Criteria: GeneDx Variant Classification Process June 2021. Collection method: clinical testing. Allele origin: germline. Affected: yes.
Comment: Not observed at significant frequency in large population cohorts (gnomAD); Has not been previously published as pathogenic or benign to our knowledge; Nonsense variant predicted to result in protein truncation or nonsense mediated decay in a gene for which loss-of-function is not an established mechanism of disease

NM_002069.6(GNAI1):c.724C>T (p.Arg242Ter)

Gene: GNAI1 (G protein subunit alpha i1; plus strand). Cytogenetic location: 7q21.11.
Variant type: single nucleotide variant.
Coding change: c.724C>T on transcript NM_002069.6 (MANE Select); coding-DNA position 724, C replaced by T.
Protein change: p.Arg242Ter; replaces arginine 242 with a stop codon.
Molecular consequence: nonsense.
Genome position (GRCh38, 1-based): chr7:80,212,719, C>T. VCF-style: chr7-80212719-C-T. GRCh37 (hg19) VCF-style: chr7-79842035-C-T.
Other names: c.568C>T, p.Arg190Ter (NM_001256414.2); short protein forms R190*, R242*.
Identifiers: ClinVar variation 3907763 (VCV003907763.1).